The following is an entry in ClinVar:

ClinVar aggregate classification (germline): Uncertain significance. Review status: criteria provided, multiple submitters, no conflicts (2 of 4 stars). 2 submissions from 2 submitters: Uncertain significance (2). Last evaluated 2024-02-24.

Allele frequency attached by ClinVar (database versions not stated): gnomAD exomes 0.00001.
gnomAD v4.1: 3 of 1,613,780 alleles (0.00019%); highest among the groups gnomAD compares: Non-Finnish European, 0.00025%; no homozygotes.

Submissions (2):

Labcorp Genetics (formerly Invitae), Labcorp
Classification: Uncertain significance. Last evaluated: 2024-02-24. Review status: criteria provided, single submitter. Criteria: Invitae Variant Classification Sherloc (09022015). Collection method: clinical testing. Allele origin: germline.
Comment: This sequence change replaces valine, which is neutral and non-polar, with methionine, which is neutral and non-polar, at codon 887 of the CAMTA1 protein (p.Val887Met). This variant is not present in population databases (gnomAD no frequency). This variant has not been reported in the literature in individuals affected with CAMTA1-related conditions. ClinVar contains an entry for this variant (Variation ID: 2008827). An algorithm developed to predict the effect of missense changes on protein structure and function (PolyPhen-2) suggests that this variant is likely to be disruptive. In summary, the available evidence is currently insufficient to determine the role of this variant in disease. Therefore, it has been classified as a Variant of Uncertain Significance.

GeneDx
Classification: Uncertain significance. Last evaluated: 2023-07-27. Review status: criteria provided, single submitter. Criteria: GeneDx Variant Classification Process June 2021. Collection method: clinical testing. Allele origin: germline. Affected: yes.
Comment: Not observed at significant frequency in large population cohorts (gnomAD); In silico analysis supports that this missense variant has a deleterious effect on protein structure/function; Has not been previously published as pathogenic or benign to our knowledge; This variant is associated with the following publications: (PMID: 27535533)

NM_015215.4(CAMTA1):c.2659G>A (p.Val887Met)

Gene: CAMTA1 (calmodulin binding transcription activator 1; plus strand). Cytogenetic location: 1p36.23.
Variant type: single nucleotide variant.
Coding change: c.2659G>A on transcript NM_015215.4 (MANE Select); coding-DNA position 2659, G replaced by A.
Protein change: p.Val887Met; replaces valine 887 with methionine.
Molecular consequence: missense variant. On other transcripts: 5 prime UTR variant (6).
Genome position (GRCh38, 1-based): chr1:7,670,917, G>A. VCF-style: chr1-7670917-G-A. GRCh37 (hg19) VCF-style: chr1-7730977-G-A.
Other names: c.2659G>A (NM_015215.3); c.2569G>A, p.Val857Met (NM_001349608.2, NM_001349612.2); c.2659G>A, p.Val887Met (NM_001349609.2, NM_001349610.2, NM_001410737.1); c.-270G>A (NM_001349614.1, NM_001349617.1, NM_001349620.1 and 3 more transcripts); c.2587G>A, p.Val863Met (NM_001410738.1); short protein forms V863M, V887M, V857M.
Identifiers: ClinVar variation 2008827 (VCV002008827.5), dbSNP rs2149221575, ClinGen allele CA338120740.